The following is an entry in ClinVar:

ClinVar aggregate classification (germline): Uncertain significance (1 of 4 stars; one submission).

Conditions:
Tuberous sclerosis 1 (TSC1). Identifiers: Orphanet 805, MedGen C1854465, MONDO:0008612, OMIM 191100.

Submission:

Labcorp Genetics (formerly Invitae), Labcorp
Classification: Uncertain significance for Tuberous sclerosis 1. Last evaluated: 2022-06-20. Review status: criteria provided, single submitter. Criteria: Invitae Variant Classification Sherloc (09022015). Collection method: clinical testing. Allele origin: germline.
Comment: In summary, the available evidence is currently insufficient to determine the role of this variant in disease. Therefore, it has been classified as a Variant of Uncertain Significance. Variants that disrupt the consensus splice site are a relatively common cause of aberrant splicing (PMID: 17576681, 9536098). Algorithms developed to predict the effect of sequence changes on RNA splicing suggest that this variant is not likely to affect RNA splicing. ClinVar contains an entry for this variant (Variation ID: 1056375). This variant has not been reported in the literature in individuals affected with TSC1-related conditions. This variant is not present in population databases (gnomAD no frequency). This sequence change falls in intron 5 of the TSC1 gene. It does not directly change the encoded amino acid sequence of the TSC1 protein. It affects a nucleotide within the consensus splice site.

Literature cited by the submitters: PubMed 17576681; PubMed 9536098.

NM_000368.5(TSC1):c.363+6A>T

Gene: TSC1 (TSC complex subunit 1; minus strand). Cytogenetic location: 9q34.13.
Variant type: single nucleotide variant.
Coding change: c.363+6A>T on transcript NM_000368.5 (MANE Select); 6 bases into the intron after coding-DNA position 363, A replaced by T.
Molecular consequence: intron variant.
Genome position (GRCh38, 1-based): chr9:132,925,581, T>A on the plus strand (A>T on the coding strand, the complement: TSC1 is on the minus strand). VCF-style: chr9-132925581-T-A. GRCh37 (hg19) VCF-style: chr9-135800968-T-A.
Other names: c.-1+6A>T (NM_001362177.2); c.210+1620A>T (NM_001162427.2); c.363+6A>T (NM_001162426.2).
Identifiers: ClinVar variation 1056375 (VCV001056375.7), dbSNP rs2132228938, ClinGen allele CA2499219739.